The following is an entry in ClinVar:

ClinVar aggregate classification (germline): Uncertain significance. Review status: criteria provided, multiple submitters, no conflicts (2 of 4 stars). 3 submissions from 3 submitters: Uncertain significance (2). 1 of the submissions does not count toward it. Last evaluated 2024-10-16.

Conditions:
Fanconi anemia (FA). Also called: Fanconi's anemia. Identifiers: Orphanet 84, MedGen C0015625, MeSH D005199, MONDO:0019391.

Allele frequency attached by ClinVar (database versions not stated): gnomAD exomes below 0.00001; TOPMed 0.00002.
gnomAD v4.1: 6 of 1,614,158 alleles (0.00037%); highest among the groups gnomAD compares: Admixed American, 0.0017%; no homozygotes.

Submissions (3):

Labcorp Genetics (formerly Invitae), Labcorp
Classification: Uncertain significance for Fanconi anemia. Last evaluated: 2024-10-16. Review status: criteria provided, single submitter. Criteria: Invitae Variant Classification Sherloc (09022015). Collection method: clinical testing. Allele origin: germline.
Comment: This sequence change replaces alanine, which is neutral and non-polar, with threonine, which is neutral and polar, at codon 47 of the FANCA protein (p.Ala47Thr). This variant is present in population databases (no rsID available, gnomAD 0.003%). This variant has not been reported in the literature in individuals affected with FANCA-related conditions. ClinVar contains an entry for this variant (Variation ID: 645049). Invitae Evidence Modeling of protein sequence and biophysical properties (such as structural, functional, and spatial information, amino acid conservation, physicochemical variation, residue mobility, and thermodynamic stability) has been performed for this missense variant. However, the output from this modeling did not meet the statistical confidence thresholds required to predict the impact of this variant on FANCA protein function. In summary, the available evidence is currently insufficient to determine the role of this variant in disease. Therefore, it has been classified as a Variant of Uncertain Significance.

Quest Diagnostics Nichols Institute San Juan Capistrano
Classification: Uncertain significance. Last evaluated: 2024-05-07. Review status: criteria provided, single submitter. Criteria: Quest Diagnostics criteria. Collection method: clinical testing. Allele origin: unknown.
Comment: The FANCA c.139G>A (p.Ala47Thr) variant has not been reported in individuals with FANCA-related conditions in the published literature. The frequency of this variant in the general population, 0.000004 (1/251490 chromosomes (Genome Aggregation Database)), is uninformative in the assessment of its pathogenicity. Analysis of this variant using bioinformatics tools for the prediction of the effect of amino acid changes on protein structure and function yielded conflicting predictions that this variant is benign or damaging. Based on the available information, we are unable to determine the clinical significance of this variant.

Natera, Inc.
Classification: Uncertain significance for Fanconi anemia. Last evaluated: 2020-02-21. Review status: no assertion criteria provided. Collection method: clinical testing. Allele origin: germline. Not counted in ClinVar's aggregate classification.

NM_000135.4(FANCA):c.139G>A (p.Ala47Thr)

Gene: FANCA (FA complementation group A; minus strand). Cytogenetic location: 16q24.3.
Variant type: single nucleotide variant.
Coding change: c.139G>A on transcript NM_000135.4 (MANE Select); coding-DNA position 139, G replaced by A.
Protein change: p.Ala47Thr; replaces alanine 47 with threonine.
Molecular consequence: missense variant.
Genome position (GRCh38, 1-based): chr16:89,815,927, C>T on the plus strand (G>A on the coding strand, the complement: FANCA is on the minus strand). VCF-style: chr16-89815927-C-T. GRCh37 (hg19) VCF-style: chr16-89882335-C-T.
Other names: c.139G>A (LRG_495t1, NM_000135.3); c.139G>A, p.Ala47Thr (NM_001018112.3, NM_001286167.3, NM_001351830.2); short protein forms A47T.
Identifiers: ClinVar variation 645049 (VCV000645049.10), dbSNP rs1190475225, ClinGen allele CA397483390.
Genomic context (GRCh38, chr16:89,815,927, plus strand): 5'-TTCCTCTTACCTCAAGCAAAAGGGCATTCAGGTCCTGATGGCTTCGCAGGAGGCGCACAG[C>T]TGATTCCTTTAATTTCTGTGCCCTTTCAGGATTATATTTTTCCCTCTTGACCCTTCCCGC-3'
Protein context (NP_000126.2, residues 37-57): PERAQKLKES[Ala47Thr]VRLLRSHQDL